The following is an entry in ClinVar:

NR_003051.4(RMRP):n.242A>C

Gene: RMRP (RNA component of mitochondrial RNA processing endoribonuclease; minus strand). Cytogenetic location: 9p13.3.
Variant type: single nucleotide variant.
Genome position: GRCh38 VCF-style: chr9-35657778-T-G. GRCh37 (hg19) VCF-style: chr9-35657775-T-G.
Identifiers: ClinVar variation 856528 (VCV000856528.7), dbSNP rs1038523315, ClinGen allele CA192745546.

ClinVar aggregate classification (germline): Uncertain significance. Review status: criteria provided, multiple submitters, no conflicts (2 of 4 stars). 4 submissions from 4 submitters: Uncertain significance (3). 1 of the submissions does not count toward it. Last evaluated 2023-08-31.

Conditions:
Anauxetic dysplasia. Identifiers: Orphanet 93347, MedGen C1846796, MONDO:0011773.
Metaphyseal chondrodysplasia, McKusick type (CHH). Also called: Cartilage-hair hypoplasia; Cartilage-Hair Hypoplasia (CHH). Identifiers: Orphanet 175, MedGen C0220748, MONDO:0009595, OMIM 250250.
Anauxetic dysplasia 1 (ANXD1). Also called: Anauxetic Dysplasia (AD). Identifiers: Orphanet 93347, MedGen C4551965, MONDO:0054560, OMIM 607095.
Metaphyseal dysplasia without hypotrichosis. Also called: CARTILAGE-HAIR HYPOPLASIA VARIANT, SKELETAL MANIFESTATIONS ONLY; CARTILAGE-HAIR HYPOPLASIA-LIKE SKELETAL DYSPLASIA WITHOUT HYPOTRICHOSIS OR IMMUNODEFICIENCY; Metaphyseal Dysplasia without Hypotrichosis (MDWH). Identifiers: MedGen C1834821, MONDO:0009601, OMIM 250460.

Allele frequency attached by ClinVar (database versions not stated): TOPMed 0.00005.
gnomAD v4.1: 19 of 696,688 alleles (0.0027%); highest among the groups gnomAD compares: Non-Finnish European, 0.0042%; no homozygotes.

Submissions (4):

Women's Health and Genetics/Laboratory Corporation of America, LabCorp
Classification: Uncertain significance. Last evaluated: 2023-08-31. Review status: criteria provided, single submitter. Criteria: LabCorp Variant Classification Summary - May 2015. Collection method: clinical testing. Allele origin: germline.
Comment: Variant summary: RMRP n.241A>C alters a nucleotide in the non-coding RNA. The variant allele was found at a frequency of 2.3e-05 in 128932 control chromosomes. These data indicate that the variant may be associated with disease. To our knowledge, no experimental evidence demonstrating an impact on protein function has been reported. The following publication has been ascertained in the context of this evaluation (PMID: 16630949). Three submitters have cited clinical-significance assessments for this variant to ClinVar after 2014. All submitters classified the variant as uncertain significance. Based on the evidence outlined above, the variant was classified as VUS-possibly pathogenic.

Labcorp Genetics (formerly Invitae), Labcorp
Classification: Uncertain significance for Anauxetic dysplasia. Last evaluated: 2021-12-14. Review status: criteria provided, single submitter. Criteria: Invitae Variant Classification Sherloc (09022015). Collection method: clinical testing. Allele origin: germline.
Comment: This variant occurs in the RMRP gene, which encodes an RNA molecule that does not result in a protein product. This variant is present in population databases (no rsID available, gnomAD 0.007%). This variant has been observed in individual(s) with clinical features of cartilage-hair hypoplasia (PMID: 16630949). In at least one individual the data is consistent with being in trans (on the opposite chromosome) from a pathogenic variant. This variant is also known as A240C. ClinVar contains an entry for this variant (Variation ID: 856528). Experimental studies and prediction algorithms are not available or were not evaluated, and the functional significance of this variant is currently unknown. In summary, the available evidence is currently insufficient to determine the role of this variant in disease. Therefore, it has been classified as a Variant of Uncertain Significance.

Fulgent Genetics
Classification: Uncertain significance for Metaphyseal chondrodysplasia, McKusick type; Metaphyseal dysplasia without hypotrichosis; Anauxetic dysplasia 1. Last evaluated: 2021-08-19. Review status: criteria provided, single submitter. Criteria: ACMG Guidelines, 2015. Collection method: clinical testing. Allele origin: unknown.

Natera, Inc.
Classification: Uncertain significance for Cartilage-hair hypoplasia. Last evaluated: 2020-09-01. Review status: no assertion criteria provided. Collection method: clinical testing. Allele origin: germline. Not counted in ClinVar's aggregate classification.

Literature cited by the submitters: PubMed 16630949 (cited by Women's Health and Genetics/Laboratory Corporation of America, LabCorp and Labcorp Genetics (formerly Invitae), Labcorp).